The following is an entry in ClinVar:

ClinVar aggregate classification (germline): Uncertain significance (1 of 4 stars; one submission).

Conditions:
Primary dilated cardiomyopathy (DCM). Also called: Dilated Cardiomyopathy. Identifiers: Orphanet 217604, MedGen C0007193, MeSH D002311, MONDO:0005021, HP:0001644. Inheritance: Various modes of inheritance.

Submission:

Labcorp Genetics (formerly Invitae), Labcorp
Classification: Uncertain significance for Primary dilated cardiomyopathy. Last evaluated: 2025-03-20. Review status: criteria provided, single submitter. Criteria: Invitae Variant Classification Sherloc (09022015). Collection method: clinical testing. Allele origin: germline.
Comment: This sequence change replaces valine, which is neutral and non-polar, with leucine, which is neutral and non-polar, at codon 913 of the NEBL protein (p.Val913Leu). This variant is not present in population databases (gnomAD no frequency). This variant has not been reported in the literature in individuals affected with NEBL-related conditions. An algorithm developed to predict the effect of missense changes on protein structure and function outputs the following: PolyPhen-2: "Benign". The leucine amino acid residue is found in multiple mammalian species, which suggests that this missense change does not adversely affect protein function. In summary, the available evidence is currently insufficient to determine the role of this variant in disease. Therefore, it has been classified as a Variant of Uncertain Significance.

NM_006393.3(NEBL):c.2737G>C (p.Val913Leu)

Gene: NEBL (nebulette; minus strand). Cytogenetic location: 10p12.31.
Variant type: single nucleotide variant.
Coding change: c.2737G>C on transcript NM_006393.3 (MANE Select); coding-DNA position 2737, G replaced by C.
Protein change: p.Val913Leu; replaces valine 913 with leucine.
Molecular consequence: missense variant. On other transcripts: intron variant (9).
Genome position (GRCh38, 1-based): chr10:20,808,534, C>G on the plus strand (G>C on the coding strand, the complement: NEBL is on the minus strand). VCF-style: chr10-20808534-C-G. GRCh37 (hg19) VCF-style: chr10-21097463-C-G.
Other names: c.529+4235G>C (NM_213569.2, NM_001173484.2); c.622+1272G>C (NM_001377322.1); c.472+4235G>C (NM_001377324.1); c.463+4235G>C (NM_001377325.1); c.481+4235G>C (NM_001377323.1); c.421+4235G>C (NM_001377326.1, NM_001377327.1, NM_001377328.1); short protein forms V913L.
Identifiers: ClinVar variation 4712001 (VCV004712001.1).